The following is an entry in ClinVar:

NM_018136.5(ASPM):c.2540T>G (p.Leu847Trp)

Gene: ASPM (assembly factor for spindle microtubules; minus strand). Cytogenetic location: 1q31.3.
Variant type: single nucleotide variant.
Coding change: c.2540T>G on transcript NM_018136.5 (MANE Select); coding-DNA position 2540, T replaced by G.
Protein change: p.Leu847Trp; replaces leucine 847 with tryptophan.
Molecular consequence: missense variant.
Genome position (GRCh38, 1-based): chr1:197,130,004, A>C on the plus strand (T>G on the coding strand, the complement: ASPM is on the minus strand). VCF-style: chr1-197130004-A-C. GRCh37 (hg19) VCF-style: chr1-197099134-A-C.
Other names: c.2540T>G, p.Leu847Trp (NM_001206846.2); short protein forms L847W.
Identifiers: ClinVar variation 1359252 (VCV001359252.8), dbSNP rs2125107891, ClinGen allele CA344049939.

ClinVar aggregate classification (germline): Uncertain significance (1 of 4 stars; one submission).

Submission:

Labcorp Genetics (formerly Invitae), Labcorp
Classification: Uncertain significance. Last evaluated: 2021-12-02. Review status: criteria provided, single submitter. Criteria: Invitae Variant Classification Sherloc (09022015). Collection method: clinical testing. Allele origin: germline.
Comment: In summary, the available evidence is currently insufficient to determine the role of this variant in disease. Therefore, it has been classified as a Variant of Uncertain Significance. Algorithms developed to predict the effect of missense changes on protein structure and function (SIFT, PolyPhen-2, Align-GVGD) all suggest that this variant is likely to be disruptive. This variant has not been reported in the literature in individuals affected with ASPM-related conditions. This variant is not present in population databases (gnomAD no frequency). This sequence change replaces leucine, which is neutral and non-polar, with tryptophan, which is neutral and slightly polar, at codon 847 of the ASPM protein (p.Leu847Trp).